The following is an entry in ClinVar:

ClinVar aggregate classification (germline): Conflicting classifications of pathogenicity. Review status: criteria provided, conflicting classifications (1 of 4 stars). 3 submissions from 2 submitters: Uncertain significance (1); Benign (2). Last evaluated 2024-10-24.

Conditions:
Glucocorticoid-remediable aldosteronism. Also called: Hyperaldosteronism, familial, type I; ACTH-DEPENDENT HYPERALDOSTERONISM SYNDROME; ALDOSTERONISM, SENSITIVE TO DEXAMETHASONE; FH I; GLUCOCORTICOID-SUPPRESSIBLE HYPERALDOSTERONISM. Identifiers: Orphanet 403, MedGen C3838731, MONDO:0007080, OMIM 103900.
Deficiency of steroid 11-beta-monooxygenase (CYP11B1). Also called: ADRENAL HYPERPLASIA, CONGENITAL, DUE TO STEROID 11-BETA-HYDROXYLASE DEFICIENCY; 11-BETA-HYDROXYLASE DEFICIENCY; ADRENAL HYPERPLASIA IV; P450C11B1 DEFICIENCY; STEROID 11-BETA-HYDROXYLASE DEFICIENCY; Congenital adrenal hyperplasia due to 11-beta-hydroxylase deficiency. Identifiers: Orphanet 90795, MedGen C0268292, MONDO:0008729, OMIM 202010. Disease mechanism: loss of function.

Allele frequency attached by ClinVar (database versions not stated): gnomAD exomes 0.00082 and 0.00207; 1000 Genomes Project 30x 0.00094; 1000 Genomes Project 0.00120; gnomAD 0.00168 and 0.00177; ExAC 0.00179; TOPMed 0.00006; ESP Exome Variant Server 0.00008.

Submissions (3):

Labcorp Genetics (formerly Invitae), Labcorp
Classification: Benign. Last evaluated: 2024-10-24. Review status: criteria provided, single submitter. Criteria: Invitae Variant Classification Sherloc (09022015). Collection method: clinical testing. Allele origin: germline.

Illumina Laboratory Services, Illumina
Classification: Uncertain significance for Deficiency of steroid 11-beta-monooxygenase. Last evaluated: 2018-01-12. Review status: criteria provided, single submitter. Criteria: ICSL Variant Classification Criteria 13 December 2019. Collection method: clinical testing. Allele origin: germline.

Illumina Laboratory Services, Illumina
Classification: Benign for Glucocorticoid-remediable aldosteronism. Last evaluated: 2018-01-12. Review status: criteria provided, single submitter. Criteria: ICSL Variant Classification Criteria 13 December 2019. Collection method: clinical testing. Allele origin: germline.
Comment: This variant was observed in the ICSL laboratory as part of a predisposition screen in an ostensibly healthy population. It had not been previously curated by ICSL or reported in the Human Gene Mutation Database (HGMD: prior to June 1st, 2018), and was therefore a candidate for classification through an automated scoring system. Utilizing variant allele frequency, disease prevalence and penetrance estimates, and inheritance mode, an automated score was calculated to assess if this variant is too frequent to cause the disease. Based on the score and internal cut-off values, a variant classified as benign is not then subjected to further curation. The score for this variant resulted in a classification of benign for this disease.

NM_000497.4(CYP11B1):c.823T>C (p.Tyr275His)

Genes: CYP11B1 (cytochrome P450 family 11 subfamily B member 1; minus strand), LOC106799833 (CYP11B1 recombination region; plus strand). Cytogenetic location: 8q24.3.
Variant type: single nucleotide variant.
Coding change: c.823T>C on transcript NM_000497.4 (MANE Select); coding-DNA position 823, T replaced by C.
Protein change: p.Tyr275His; replaces tyrosine 275 with histidine.
Molecular consequence: missense variant.
Genome position (GRCh38, 1-based): chr8:142,876,372, A>G on the plus strand (T>C on the coding strand, the complement: CYP11B1 is on the minus strand). VCF-style: chr8-142876372-A-G. GRCh37 (hg19) VCF-style: chr8-143957788-A-G.
Other names: c.823T>C, p.Tyr275His (NM_001026213.1); short protein forms Y275H.
Identifiers: ClinVar variation 362159 (VCV000362159.14), dbSNP rs141368413, ClinGen allele CA4905288.